The following is an entry in ClinVar:

ClinVar aggregate classification (germline): Conflicting classifications of pathogenicity. Review status: criteria provided, conflicting classifications (1 of 4 stars). 6 submissions from 6 submitters: Uncertain significance (5); Likely benign (1). Last evaluated 2025-08-05.

Conditions:
Cardiomyopathy, dilated, with wooly hair, keratoderma, and tooth agenesis. Also called: Cardiomyopathy, dilated, with woolly hair, keratoderma, and tooth agenesis; Erythrokeratodermia-cardiomyopathy syndrome. Identifiers: Orphanet 476096, Orphanet 65282, MedGen C4014393, MONDO:0014355, OMIM 615821.
Arrhythmogenic cardiomyopathy with wooly hair and keratoderma. Also called: PALMOPLANTAR KERATODERMA WITH LEFT VENTRICULAR CARDIOMYOPATHY AND WOOLLY HAIR; Carvajal syndrome; Dilated cardiomyopathy with woolly hair and keratoderma; Arrhythmogenic cardiomyopathy with woolly hair and keratoderma. Identifiers: Orphanet 65282, MedGen C1854063, MONDO:0011581, OMIM 605676.
Keratosis palmoplantaris striata 2. Also called: KERATODERMA, PALMOPLANTAR, STRIATE FORM II; STRIATE PALMOPLANTAR KERATODERMA II; Keratosis palmoplantaris striata II. Identifiers: MedGen C1852127, MONDO:0013034, OMIM 612908.
Arrhythmogenic right ventricular dysplasia 8 (ARVD8). Also called: Arrhythmogenic Right Ventricular Dysplasia/Cardiomyopathy 8; ARRHYTHMOGENIC RIGHT VENTRICULAR CARDIOMYOPATHY 8; ARRHYTHMOGENIC RIGHT VENTRICULAR DYSPLASIA, FAMILIAL, 8. Identifiers: MedGen C1843896, MONDO:0011831, OMIM 607450.
Lethal acantholytic epidermolysis bullosa (EBLA). Identifiers: Orphanet 158687, MedGen C1864826, MONDO:0012323, OMIM 609638.
Cardiovascular phenotype. Identifiers: MedGen CN230736.
DSP-related disorder. Also called: DSP-related condition; DSP-related disorders.
Cardiomyopathy (CMYO). Also called: Cardiomyopathies. Identifiers: Orphanet 167848, MedGen C0878544, MONDO:0004994, HP:0001638. Inheritance: Various modes of inheritance.

Allele frequency attached by ClinVar (database versions not stated): ExAC 0.00001; gnomAD exomes 0.00001; TOPMed 0.00001; gnomAD 0.00002.
gnomAD v4.1: 17 of 1,613,800 alleles (0.0011%); highest among the groups gnomAD compares: Non-Finnish European, 0.0014%; no homozygotes.

Submissions (6):

Labcorp Genetics (formerly Invitae), Labcorp
Classification: Likely benign for Arrhythmogenic cardiomyopathy with wooly hair and keratoderma; Arrhythmogenic right ventricular dysplasia 8. Last evaluated: 2025-08-05. Review status: criteria provided, single submitter. Criteria: Invitae Variant Classification Sherloc (09022015). Collection method: clinical testing. Allele origin: germline.

PreventionGenetics, part of Exact Sciences
Classification: Uncertain significance for DSP-related condition. Last evaluated: 2025-04-30. Review status: criteria provided, single submitter. Criteria: ACMG Guidelines, 2015. Collection method: clinical testing. Allele origin: germline.
Comment: The DSP c.4867T>C variant is predicted to result in the amino acid substitution p.Ser1623Pro. To our knowledge, this variant has not been reported in the literature. This variant is reported in 0.0031% of alleles in individuals of European (Non-Finnish) descent in gnomAD. At this time, the clinical significance of this variant is uncertain due to the absence of conclusive functional and genetic evidence.

Ambry Genetics
Classification: Uncertain significance for Cardiovascular phenotype. Last evaluated: 2024-09-30. Review status: criteria provided, single submitter. Criteria: Ambry Variant Classification Scheme 2023. Collection method: clinical testing. Allele origin: germline.
Comment: The p.S1623P variant (also known as c.4867T>C), located in coding exon 23 of the DSP gene, results from a T to C substitution at nucleotide position 4867. The serine at codon 1623 is replaced by proline, an amino acid with similar properties. This amino acid position is conserved. In addition, the in silico prediction for this alteration is inconclusive. Since supporting evidence is limited at this time, the clinical significance of this alteration remains unclear.

Color Diagnostics, LLC DBA Color Health
Classification: Uncertain significance for Cardiomyopathy. Last evaluated: 2024-03-06. Review status: criteria provided, single submitter. Criteria: ACMG Guidelines, 2015. Collection method: clinical testing. Allele origin: germline.
Comment: This missense variant replaces serine with proline at codon 1623 of the DSP protein. Computational prediction suggests that this variant may not impact protein structure and function (internally defined REVEL score threshold <= 0.5, PMID: 27666373). To our knowledge, functional studies have not been reported for this variant. This variant has not been reported in individuals affected with DSP-related disorders in the literature. This variant has been identified in 4/280564 chromosomes in the general population by the Genome Aggregation Database (gnomAD). The available evidence is insufficient to determine the role of this variant in disease conclusively. Therefore, this variant is classified as a Variant of Uncertain Significance.

Fulgent Genetics
Classification: Uncertain significance for Arrhythmogenic cardiomyopathy with wooly hair and keratoderma; Arrhythmogenic right ventricular dysplasia 8; Lethal acantholytic epidermolysis bullosa; Keratosis palmoplantaris striata 2; Cardiomyopathy, dilated, with wooly hair, keratoderma, and tooth agenesis. Last evaluated: 2024-01-06. Review status: criteria provided, single submitter. Criteria: ACMG Guidelines, 2015. Collection method: clinical testing. Allele origin: germline.

Blueprint Genetics
Classification: Uncertain significance. Last evaluated: 2023-08-24. Review status: criteria provided, single submitter. Criteria: ACMG Guidelines, 2015. Collection method: clinical testing. Allele origin: germline.

NM_004415.4(DSP):c.4867T>C (p.Ser1623Pro)

Gene: DSP (desmoplakin; plus strand). Cytogenetic location: 6p24.3.
Variant type: single nucleotide variant.
Coding change: c.4867T>C on transcript NM_004415.4 (MANE Select); coding-DNA position 4867, T replaced by C.
Protein change: p.Ser1623Pro; replaces serine 1623 with proline.
Molecular consequence: missense variant. On other transcripts: intron variant (2).
Genome position (GRCh38, 1-based): chr6:7,581,057, T>C. VCF-style: chr6-7581057-T-C. GRCh37 (hg19) VCF-style: chr6-7581290-T-C.
Other names: c.4050+817T>C (NM_001319034.2); c.3582+1285T>C (NM_001008844.3); c.4867T>C (NM_004415.3); short protein forms S1623P.
Identifiers: ClinVar variation 925427 (VCV000925427.21), dbSNP rs749679496, ClinGen allele CA043191.